The following is an entry in ClinVar:

NM_014849.5(SV2A):c.915_916del (p.Tyr306fs)

Gene: SV2A (synaptic vesicle glycoprotein 2A; minus strand). Cytogenetic location: 1q21.2.
Variant type: Microsatellite.
Coding change: c.915_916del on transcript NM_014849.5 (MANE Select); coding-DNA positions 915 to 916, 2 bases deleted (GT; older notation c.915_916delGT).
Protein change: p.Tyr306fs; shifts the reading frame from tyrosine 306.
Molecular consequence: frameshift variant.
Genome position (GRCh38, 1-based): chr1:149,910,865-149,910,866, AC deleted on the plus strand (GT on the coding strand, the reverse complement: SV2A is on the minus strand); deleting any 2 consecutive bases within chr1:149,910,865-149,910,868 gives the same sequence; the c. name uses the placement nearest the transcript's 3' end. VCF-style (leftmost placement, unchanged base first): chr1-149910864-TAC-T. GRCh37 (hg19) VCF-style: chr1-149882416-TAC-T.
Other names: c.915_916del, p.Tyr306fs (NM_001328674.2, NM_001328675.2); short protein forms Y306fs.
Identifiers: ClinVar variation 4531933 (VCV004531933.1).
Genomic context (GRCh38, chr1:149,910,864, plus strand): 5'-TGGATTTCCGGGGGCTGCTCACCATAGTGGGGGATGATGGCCCAGGCCATAGCAGCTGCG[TAC>T]ACGCCACCAATCATCCAAAACATGCAGAGCCAGCTCAAATGCTCCCCTCGTTTCTCCTGG-3'

ClinVar aggregate classification (germline): Uncertain significance (1 of 4 stars; one submission).

Conditions:
Neurodevelopmental disorder. Identifiers: MedGen C1535926, MeSH D065886, MONDO:0700092.

Submission:

Victorian Clinical Genetics Services, Murdoch Childrens Research Institute
Classification: Uncertain significance for Neurodevelopmental disorder. Last evaluated: 2025-08-07. Review status: criteria provided, single submitter. Criteria: ACMG Guidelines, 2015. Collection method: clinical testing. Allele origin: germline. Affected: yes.
Comment: This variant is classified as VUS-3A. Evidence in support of pathogenic classification: Variant is predicted to cause nonsense-mediated decay (NMD) and loss of protein (premature termination codon is located at least 54 nucleotides upstream of the final exon-exon junction); Variant is absent from gnomAD (v2, v3 and v4); Other NMD-predicted variant(s) comparable to the one identified in this case have moderate previous evidence for pathogenicity. p.(Arg507Ter) has been classified as pathogenic by a clinical laboratory in ClinVar, and p.(Arg289Ter) has been reported in the literature in a homozygous individual with seizures (PMID: 37985816). In addition, p.(Arg141Ter), p.(Gly125Alafs*2), and p.(Gln430Argfs*19) have been reported in heterozygous individuals with developmental delay and/or intellectual disability however, it is unclear if the individuals also have seizures (PMIDs: 36350923, 37861890). Additional information: This variant is heterozygous; This gene is associated with both recessive and dominant disease; however, this gene-disease association is not well-established (PanelApp Australia, PMID: 37985816); This variant has no previous evidence of pathogenicity; No published evidence of segregation with disease has been identified for this variant; No published functional evidence has been identified for this variant; Loss of function is a likely mechanism of disease in this gene and is associated with developmental and epileptic encephalopathy 113 (MIM#620772) and neurodevelopmental disorder (MONDO:0700092), SV2A-related (PMID: 37985816); Inheritance information for this variant is not currently available in this individual.

Literature cited by the submitters: PubMed 37985816; PubMed 37861890; PubMed 36350923.